The following is an entry in ClinVar:

NM_012186.3(FOXE3):c.756_779dup (p.Pro260_Leu261insCysAlaAlaAlaAlaSerProPro)

Genes: FOXE3 (forkhead box E3; plus strand), LINC01389 (long independently transcribed non-coding RNA 1389; minus strand). Cytogenetic location: 1p33.
Variant type: Duplication.
Coding change: c.756_779dup on transcript NM_012186.3 (MANE Select); coding-DNA positions 756 to 779, 24 bases duplicated (CTGCGCTGCCGCCGCCTCCCCGCC).
Protein change: p.Pro260_Leu261insCysAlaAlaAlaAlaSerProPro.
Genome position (GRCh38, 1-based): chr1:47,417,071-47,417,094, CTGCGCTGCCGCCGCCTCCCCGCC duplicated; duplicating any 24 consecutive bases within chr1:47,417,065-47,417,094 gives the same sequence; the c. name uses the placement nearest the transcript's 3' end. VCF-style (leftmost placement, unchanged base first): chr1-47417064-T-TCCCGCCCTGCGCTGCCGCCGCCTC. GRCh37 (hg19) VCF-style: chr1-47882736-T-TCCCGCCCTGCGCTGCCGCCGCCTC.
Identifiers: ClinVar variation 4788330 (VCV004788330.1).

ClinVar aggregate classification (germline): Uncertain significance (1 of 4 stars; one submission).

Conditions:
Anterior segment dysgenesis. Also called: Ocular anterior segment dysgenesis. Identifiers: Orphanet 88632, MedGen C1862839, MONDO:0019503, HP:0007700.
Congenital primary aphakia. Also called: Anterior segment dysgenesis 2, multiple subtypes; ANTERIOR SEGMENT DYSGENESIS 2. Identifiers: Orphanet 83461, MedGen C1853230, MONDO:0012456, OMIM 610256.

Submission:

Labcorp Genetics (formerly Invitae), Labcorp
Classification: Uncertain significance for Anterior segment dysgenesis; Congenital primary aphakia. Last evaluated: 2025-07-13. Review status: criteria provided, single submitter. Criteria: Invitae Variant Classification Sherloc (09022015). Collection method: clinical testing. Allele origin: germline.
Comment: This variant, c.756_779dup, results in the insertion of 8 amino acid(s) of the FOXE3 protein (p.Cys253_Pro260dup), but otherwise preserves the integrity of the reading frame. This variant is not present in population databases (gnomAD no frequency). This variant has not been reported in the literature in individuals affected with FOXE3-related conditions. In summary, the available evidence is currently insufficient to determine the role of this variant in disease. Therefore, it has been classified as a Variant of Uncertain Significance.